The following is an entry in ClinVar:

ClinVar aggregate classification (germline): Uncertain significance. Review status: criteria provided, multiple submitters, no conflicts (2 of 4 stars). 2 submissions from 2 submitters: Uncertain significance (2). Last evaluated 2024-10-21.

Conditions:
Inborn genetic diseases. Identifiers: MedGen C0950123, MeSH D030342.
Primary ciliary dyskinesia 32. Also called: CILIARY DYSKINESIA, PRIMARY, 32, WITHOUT SITUS INVERSUS. Identifiers: Orphanet 244, MedGen C4225311, MONDO:0014657, OMIM 616481.

Allele frequency attached by ClinVar (database versions not stated): gnomAD exomes 0.00002 and 0.00003; gnomAD 0.00003 and 0.00006; TOPMed 0.00006; ExAC 0.00007; ESP Exome Variant Server 0.00008.
gnomAD v4.1: 30 of 1,613,024 alleles (0.0019%); highest among the groups gnomAD compares: Middle Eastern, 0.016%; no homozygotes.

Submissions (2):

Labcorp Genetics (formerly Invitae), Labcorp
Classification: Uncertain significance for Primary ciliary dyskinesia 32. Last evaluated: 2024-10-21. Review status: criteria provided, single submitter. Criteria: Invitae Variant Classification Sherloc (09022015). Collection method: clinical testing. Allele origin: germline.
Comment: This sequence change replaces alanine, which is neutral and non-polar, with threonine, which is neutral and polar, at codon 26 of the RSPH3 protein (p.Ala26Thr). This variant is present in population databases (rs371164829, gnomAD 0.02%). This variant has not been reported in the literature in individuals affected with RSPH3-related conditions. ClinVar contains an entry for this variant (Variation ID: 947441). An algorithm developed to predict the effect of missense changes on protein structure and function outputs the following: PolyPhen-2: "Possibly Damaging". The threonine amino acid residue is found in multiple mammalian species, which suggests that this missense change does not adversely affect protein function. In summary, the available evidence is currently insufficient to determine the role of this variant in disease. Therefore, it has been classified as a Variant of Uncertain Significance.

Ambry Genetics
Classification: Uncertain significance for Inborn genetic diseases. Last evaluated: 2021-08-30. Review status: criteria provided, single submitter. Criteria: Ambry Variant Classification Scheme 2023. Collection method: clinical testing. Allele origin: germline.

NM_031924.8(RSPH3):c.-351G>A

Genes: RSPH3 (radial spoke head 3; minus strand), TAGAP-AS1 (TAGAP antisense RNA 1; plus strand). Cytogenetic location: 6q25.3.
Variant type: single nucleotide variant.
Coding change: c.-351G>A on transcript NM_031924.8 (MANE Select); 351 bases upstream of the start codon, G replaced by A.
Molecular consequence: 5 prime UTR variant. On other transcripts: missense variant (1), non-coding transcript variant (1).
Genome position (GRCh38, 1-based): chr6:158,999,901, C>T on the plus strand (G>A on the coding strand, the complement: RSPH3 is on the minus strand). VCF-style: chr6-158999901-C-T. GRCh37 (hg19) VCF-style: chr6-159420933-C-T.
Other names: c.76G>A, p.Ala26Thr (NM_001346418.1); short protein forms A26T.
Identifiers: ClinVar variation 947441 (VCV000947441.9), dbSNP rs371164829, ClinGen allele CA4076113.